The following is an entry in ClinVar:

ClinVar aggregate classification (germline): Conflicting classifications of pathogenicity. Review status: criteria provided, conflicting classifications (1 of 4 stars). 13 submissions from 13 submitters: Uncertain significance (6); Benign (1); Likely benign (4). 2 of the submissions do not count toward it. Last evaluated 2025-11-19.

Conditions:
Familial adenomatous polyposis 1 (FAP1). Also called: POLYPOSIS, ADENOMATOUS INTESTINAL; FAMILIAL ADENOMATOUS POLYPOSIS 1, ATTENUATED. Identifiers: MedGen C2713442, MONDO:0021056, OMIM 175100. Disease mechanism: loss of function.
Desmoid disease, hereditary (DESMD). Also called: FIBROMATOSIS, FAMILIAL INFILTRATIVE. Identifiers: Orphanet 873, MedGen C1851124, OMIM 135290. Disease mechanism: loss of function.
Hepatocellular carcinoma (HCC). Also called: Primary carcinoma of liver; HEPATOMA; LIVER CELL CARCINOMA. Identifiers: Orphanet 88673, MedGen C2239176, MONDO:0007256, OMIM 114550, HP:0001402.
Gastric adenocarcinoma and proximal polyposis of the stomach (GAPPS). Also called: Polyposis, gastric, Dos Santos and de Magalhaes 1980; Gastric Adenocarcinoma and Proximal Polyposis of the Stomach (GAPPS); POLYPOSIS, GASTRIC. Identifiers: Orphanet 314022, MedGen C4749917, MONDO:0017790, OMIM 619182.
Gastric cancer. Also called: Stomach cancer; Malignant tumor of stomach. Identifiers: MedGen C0024623, MeSH D013274, MONDO:0001056, OMIM 613659, HP:0012126.
Colorectal cancer. Also called: Malignant Colorectal Neoplasm; Colorectal cancer, somatic. Identifiers: MedGen C0346629, MONDO:0005575, OMIM 114500.
Classic or attenuated familial adenomatous polyposis. Identifiers: MedGen CN372698, MONDO:0021057.
Hereditary cancer-predisposing syndrome. Also called: Tumor predisposition; Neoplastic Syndromes, Hereditary; Hereditary Cancer Syndrome; Hereditary neoplastic syndrome. Identifiers: Orphanet 140162, MedGen C0027672, MeSH D009386, MONDO:0015356.
Familial multiple polyposis syndrome (FAP). Also called: Familial intestinal polyposis; Familial Adenomatous Polyposis (FAP); Familial polyposis; Classic familial adenomatous polyposis; Familial adenomatous polyposis. Identifiers: Orphanet 733, MedGen C0032580, MONDO:0021055. Disease mechanism: loss of function.
Carcinoma of colon (CRC). Also called: Colon carcinoma; Colonic carcinoma. Identifiers: MedGen C0699790, MONDO:0002032.

Allele frequency attached by ClinVar (database versions not stated): gnomAD 0.00001; TOPMed 0.00002; ESP Exome Variant Server 0.00008.

Submissions (13):

Color Diagnostics, LLC DBA Color Health
Classification: Likely benign for Hereditary cancer-predisposing syndrome. Last evaluated: 2025-11-19. Review status: criteria provided, single submitter. Criteria: ACMG Guidelines, 2015. Collection method: clinical testing. Allele origin: germline.

Ambry Genetics
Classification: Benign for Hereditary cancer-predisposing syndrome. Last evaluated: 2025-11-04. Review status: criteria provided, single submitter. Criteria: Ambry Variant Classification Scheme 2023. Collection method: clinical testing. Allele origin: germline.

CeGaT Center for Human Genetics Tuebingen
Classification: Likely benign. Last evaluated: 2025-11-01. Review status: criteria provided, single submitter. Criteria: CeGaT Center For Human Genetics Tuebingen Variant Classification Criteria Version 2. Collection method: clinical testing. Allele origin: germline. Affected: yes. Observed: 2 variant alleles.
Comment: APC: PP3, BP1, BP2

Labcorp Genetics (formerly Invitae), Labcorp
Classification: Likely benign for Familial adenomatous polyposis 1. Last evaluated: 2025-10-11. Review status: criteria provided, single submitter. Criteria: Invitae Variant Classification Sherloc (09022015). Collection method: clinical testing. Allele origin: germline.

GeneDx
Classification: Uncertain significance. Last evaluated: 2024-07-29. Review status: criteria provided, single submitter. Criteria: GeneDx Variant Classification Process June 2021. Collection method: clinical testing. Allele origin: germline. Affected: yes.
Comment: Not observed at significant frequency in large population cohorts (gnomAD); Has not been previously published as pathogenic or benign to our knowledge; In silico analysis indicates that this missense variant does not alter protein structure/function; In silico analysis suggests this variant may impact gene splicing. In the absence of RNA/functional studies, the actual effect of this sequence change is unknown.; This variant is associated with the following publications: (PMID: 24599579)

All of Us Research Program, National Institutes of Health
Classification: Uncertain significance for Classic or attenuated familial adenomatous polyposis. Last evaluated: 2024-05-30. Review status: criteria provided, single submitter. Criteria: ACMG Guidelines, 2015. Collection method: clinical testing. Allele origin: germline. Inheritance: Autosomal dominant inheritance. Observed: 5 variant alleles, 5 heterozygotes.
Comment: This missense variant replaces arginine with glutamine at codon 374 of the APC protein. Computational prediction suggests that this variant may not impact protein structure and function (internally defined REVEL score threshold <= 0.5, PMID: 27666373). Splice site prediction tools suggest that this variant may not impact RNA splicing. To our knowledge, functional studies have not been performed for this variant. This variant has been reported in at least one family affected with familial adenomatous polyposis with reported absence of cosegregation (Universal Mutation Database; PMID: 24599579). This variant was also reported in an individual affected with colon adenocarcinoma, and an individual affected with kidney clear cell carcinoma (PMID: 29684080). This variant has been identified in 3/250836 chromosomes in the general population by the Genome Aggregation Database (gnomAD). The available evidence is insufficient to determine the role of this variant in disease conclusively. Therefore, this variant is classified as a Variant of Uncertain Significance.

This study involves interpretation of variants in research participants for the purpose of population health screening. Participant phenotype was not available at the time of variant classification. Additional details can be found in publication PMID: 35346344, PMCID: PMC8962531

Fulgent Genetics
Classification: Uncertain significance for Colorectal cancer; Hepatocellular carcinoma; Desmoid disease, hereditary; Familial adenomatous polyposis 1; Gastric cancer; Gastric adenocarcinoma and proximal polyposis of the stomach. Last evaluated: 2024-05-30. Review status: criteria provided, single submitter. Criteria: ACMG Guidelines, 2015. Collection method: clinical testing. Allele origin: germline.

Baylor Genetics
Classification: Uncertain significance for Familial adenomatous polyposis 1. Last evaluated: 2024-02-09. Review status: criteria provided, single submitter. Criteria: ACMG Guidelines, 2015. Collection method: clinical testing. Allele origin: unknown.

Myriad Genetics, Inc.
Classification: Likely benign for Familial adenomatous polyposis 1. Last evaluated: 2023-02-16. Review status: criteria provided, single submitter. Criteria: Myriad Autosomal Dominant, Autosomal Recessive and X-Linked Classification Criteria (2023). Collection method: clinical testing. Allele origin: unknown.
Comment: This variant is considered likely benign. This variant has been observed in conjunction with multiple pathogenic variants, reducing the likelihood this variant itself is pathogenic.

Quest Diagnostics Nichols Institute San Juan Capistrano
Classification: Uncertain significance. Last evaluated: 2021-07-23. Review status: criteria provided, single submitter. Criteria: Quest Diagnostics criteria. Collection method: clinical testing. Allele origin: unknown.

Genomic Diagnostic Laboratory, Division of Genomic Diagnostics, Children's Hospital of Philadelphia
Classification: Uncertain significance for Adenomatous polyposis coli. Last evaluated: 2015-08-19. Review status: criteria provided, single submitter. Criteria: DGD Variant Analysis Guidelines. Collection method: clinical testing. Allele origin: unknown.

Counsyl
Classification: Uncertain significance for Familial adenomatous polyposis 1. Last evaluated: 2017-09-19. Review status: no assertion criteria provided. Collection method: clinical testing. Allele origin: unknown. Not counted in ClinVar's aggregate classification.

Department of Pathology and Laboratory Medicine, Sinai Health System
Classification: Uncertain significance for Carcinoma of colon. Review status: no assertion criteria provided. Collection method: clinical testing. Allele origin: unknown. Affected: yes. Observed: 1 variant allele. Study: The Canadian Open Genetics Repository (COGR). Not counted in ClinVar's aggregate classification.
Comment: The APC, p.Arg374Gln variant was identified in dbSNP (ID: rs141582813), Exome Aggregation Consortium (ExAC) database, the ClinVar database (classified as an uncertain significance variant by Ambry Genetics) and UMD (2X as a neutral variant). This variant was identified in the Exome Variant Server project in 1 of 8600 European American alleles, the Exome Aggregation Consortium (ExAC) database (released Oct 20th, 2014) in 2 of 66586 chromosomes (2 individuals) from a population of European (Non-Finnish) individuals, although this low number of observations and low frequency is not substantive enough to determine the prevalence of the variant in the general population and its relationship to disease. The p.Arg374 residue is conserved in mammals and computational analyses (PolyPhen-2, SIFT, AlignGVGD, BLOSUM, MutationTaster) provide inconsistent predictions regarding the impact to the protein; this information is not very predictive of pathogenicity. The variant occurs outside of the splicing consensus sequence and 3 of 5 in silico or computational prediction software programs (SpliceSiteFinder, MaxEntScan, NNSPLICE, GeneSplicer, HumanSpliceFinder) predict a greater than 10% difference in splicing. However, this information is not predictive enough to assume pathogenicity. In summary, based on the above information, the clinical significance of this variant cannot be determined with certainty at this time. This variant is classified as a variant of unknown significance.

Literature cited by the submitters: PubMed 24599579 (cited by All of Us Research Program, National Institutes of Health and Counsyl); PubMed 29684080 (cited by All of Us Research Program, National Institutes of Health).

NM_000038.6(APC):c.1121G>A (p.Arg374Gln)

Gene: APC (APC regulator of Wnt signaling pathway; plus strand). Cytogenetic location: 5q22.2.
Variant type: single nucleotide variant.
Coding change: c.1121G>A on transcript NM_000038.6 (MANE Select); coding-DNA position 1121, G replaced by A.
Protein change: p.Arg374Gln; replaces arginine 374 with glutamine.
Molecular consequence: missense variant. On other transcripts: intron variant (4).
Genome position (GRCh38, 1-based): chr5:112,819,153, G>A. VCF-style: chr5-112819153-G-A. GRCh37 (hg19) VCF-style: chr5-112154850-G-A.
Other names: c.1121G>A, p.Arg374Gln (NM_001127510.3, NM_001354895.2, NM_001354896.2); c.1067G>A, p.Arg356Gln (NM_001127511.3); c.1151G>A, p.Arg384Gln (NM_001354897.2); c.1046G>A, p.Arg349Gln (NM_001354898.2); c.1037G>A, p.Arg346Gln (NM_001354899.2); c.944G>A, p.Arg315Gln (NM_001354900.2, NM_001354901.2); c.272G>A, p.Arg91Gln (NM_001354906.2); c.964-116G>A (NM_001354902.2); and 3 more; short protein forms R356Q, R374Q, R384Q, R91Q, R315Q, R346Q, R349Q.
Identifiers: ClinVar variation 185193 (VCV000185193.54), dbSNP rs141582813, ClinGen allele CA004057.